The following is an entry in ClinVar:

NM_000038.6(APC):c.286T>C (p.Tyr96His)

Gene: APC (APC regulator of Wnt signaling pathway; plus strand). Cytogenetic location: 5q22.2.
Variant type: single nucleotide variant.
Coding change: c.286T>C on transcript NM_000038.6 (MANE Select); coding-DNA position 286, T replaced by C.
Protein change: p.Tyr96His; replaces tyrosine 96 with histidine.
Molecular consequence: missense variant. On other transcripts: 5 prime UTR variant (4), non-coding transcript variant (2).
Genome position (GRCh38, 1-based): chr5:112,767,254, T>C. VCF-style: chr5-112767254-T-C. GRCh37 (hg19) VCF-style: chr5-112102951-T-C.
Other names: c.286T>C, p.Tyr96His (NM_001127510.3, NM_001354895.2, NM_001354896.2 and 16 more transcripts); c.316T>C, p.Tyr106His (NM_001127511.3, NM_001354897.2, NM_001354902.2 and 1 more transcripts); c.211T>C, p.Tyr71His (NM_001354898.2, NM_001354904.2, NM_001407451.1); c.109T>C, p.Tyr37His (NM_001354900.2, NM_001354901.2, NM_001354905.2 and 1 more transcripts); c.-750T>C (NM_001354906.2, NM_001407470.1, NM_001407471.1 and 1 more transcripts); short protein forms Y106H, Y37H, Y71H, Y96H.
Identifiers: ClinVar variation 3226666 (VCV003226666.1), dbSNP rs1756447172, ClinGen allele CA16021957.

ClinVar aggregate classification (germline): Uncertain significance (1 of 4 stars; one submission).

Conditions:
Hereditary cancer-predisposing syndrome. Also called: Neoplastic Syndromes, Hereditary; Tumor predisposition; Hereditary neoplastic syndrome; Hereditary Cancer Syndrome. Identifiers: Orphanet 140162, MedGen C0027672, MeSH D009386, MONDO:0015356.

Submission:

Ambry Genetics
Classification: Uncertain significance for Hereditary cancer-predisposing syndrome. Last evaluated: 2024-02-03. Review status: criteria provided, single submitter. Criteria: Ambry Variant Classification Scheme 2023. Collection method: clinical testing. Allele origin: germline.
Comment: The p.Y96H variant (also known as c.286T>C), located in coding exon 3 of the APC gene, results from a T to C substitution at nucleotide position 286. The tyrosine at codon 96 is replaced by histidine, an amino acid with similar properties. This amino acid position is conserved. In addition, in silico predictors for this gene do not accurately predict pathogenicity. Based on the available evidence, the clinical significance of this alteration remains unclear.